The following is an entry in ClinVar:

ClinVar aggregate classification (germline): Benign/Likely benign. Review status: criteria provided, multiple submitters, no conflicts (2 of 4 stars). 16 submissions from 16 submitters: Benign (6); Likely benign (8). 2 of the submissions do not count toward it. Last evaluated 2026-02-02.

Conditions:
Cardiovascular phenotype. Identifiers: MedGen CN230736.
Long QT syndrome (LQTS). Identifiers: MedGen C0023976, MeSH D008133, MONDO:0002442. Disease mechanism: loss of function. Inheritance: Various modes of inheritance.
Long QT syndrome 11 (LQT11). Identifiers: Orphanet 101016, Orphanet 768, MedGen C2678483, MONDO:0012738, OMIM 611820.

Allele frequency attached by ClinVar (database versions not stated): 1000 Genomes Project 0.00100; gnomAD 0.00137; 1000 Genomes Project 30x 0.00156; TOPMed 0.00213; ESP Exome Variant Server 0.00215.
gnomAD v4.1: 4,414 of 1,613,500 alleles (0.27%); highest among the groups gnomAD compares: Middle Eastern, 0.68%; 11 homozygotes.

Submissions (16):

Labcorp Genetics (formerly Invitae), Labcorp
Classification: Likely benign for Long QT syndrome. Last evaluated: 2026-02-02. Review status: criteria provided, single submitter. Criteria: Invitae Variant Classification Sherloc (09022015). Collection method: clinical testing. Allele origin: germline.

Genomic Medicine Center of Excellence, King Faisal Specialist Hospital and Research Centre
Classification: Likely benign. Last evaluated: 2025-08-18. Review status: criteria provided, single submitter. Criteria: ACMG Guidelines, 2015. Collection method: clinical testing. Allele origin: germline.

CeGaT Center for Human Genetics Tuebingen
Classification: Benign. Last evaluated: 2025-01-01. Review status: criteria provided, single submitter. Criteria: CeGaT Center For Human Genetics Tuebingen Variant Classification Criteria Version 2. Collection method: clinical testing. Allele origin: germline. Affected: yes. Observed: 3 variant alleles.
Comment: AKAP9: BS1, BS2

Blueprint Genetics
Classification: Likely benign. Last evaluated: 2024-11-26. Review status: criteria provided, single submitter. Criteria: ACMG Guidelines, 2015. Collection method: clinical testing. Allele origin: germline.

Genome-Nilou Lab
Classification: Benign for Long QT syndrome 11. Last evaluated: 2021-12-05. Review status: criteria provided, single submitter. Criteria: ACMG Guidelines, 2015. Collection method: clinical testing. Allele origin: germline. Affected: no.

ARUP Laboratories, Molecular Genetics and Genomics, ARUP Laboratories
Classification: Benign for Long QT syndrome 11. Last evaluated: 2021-11-30. Review status: criteria provided, single submitter. Criteria: ARUP Molecular Germline Variant Investigation Process 2021. Collection method: clinical testing. Allele origin: germline.

Fulgent Genetics
Classification: Benign for Long QT syndrome 11. Last evaluated: 2021-08-18. Review status: criteria provided, single submitter. Criteria: ACMG Guidelines, 2015. Collection method: clinical testing. Allele origin: unknown.

Women's Health and Genetics/Laboratory Corporation of America, LabCorp
Classification: Benign. Last evaluated: 2020-01-20. Review status: criteria provided, single submitter. Criteria: LabCorp Variant Classification Summary - May 2015. Collection method: clinical testing. Allele origin: germline.
Comment: Variant summary: AKAP9 c.80C>T (p.Ser27Leu) results in a non-conservative amino acid change in the encoded protein sequence. Three of five in-silico tools predict a damaging effect of the variant on protein function. The variant allele was found at a frequency of 0.0017 in 249848 control chromosomes in the gnomAD database, including 2 homozygotes. The observed variant frequency is approximately 173 fold of the estimated maximal expected allele frequency for a pathogenic variant in AKAP9 causing Arrhythmia phenotype (1e-05), strongly suggesting that the variant is benign. Five clinical diagnostic laboratories have submitted clinical-significance assessments for this variant to ClinVar after 2014 without evidence for independent evaluation. All laboratories classified the variant as benign/likely benign. Based on the evidence outlined above, the variant was classified as benign.

Ambry Genetics
Classification: Likely benign for Cardiovascular phenotype. Last evaluated: 2018-08-06. Review status: criteria provided, single submitter. Criteria: Ambry Variant Classification Scheme 2023. Collection method: clinical testing. Allele origin: germline.

Genome Diagnostics Laboratory, University Medical Center Utrecht
Classification: Likely benign for Long QT syndrome 11. Last evaluated: 2017-03-14. Review status: criteria provided, single submitter. Criteria: ACGS Guidelines, 2013. Collection method: clinical testing. Allele origin: germline. Affected: yes. Study: VKGL Data-share Consensus.

Clinical Genetics DNA and cytogenetics Diagnostics Lab, Erasmus MC, Erasmus Medical Center
Classification: Likely benign for Long QT syndrome 11. Last evaluated: 2016-09-21. Review status: criteria provided, single submitter. Criteria: ACGS Guidelines, 2013. Collection method: clinical testing. Allele origin: germline. Affected: yes. Study: VKGL Data-share Consensus.

Biesecker Lab/Clinical Genomics Section, National Institutes of Health
Classification: Likely benign. Last evaluated: 2013-06-24. Review status: criteria provided, single submitter. Criteria: Ng et al. (Circ Cardiovasc Genet. 2013). Collection method: research. Allele origin: unknown. Observed: 3 variant alleles. Study: ClinSeq.
Comment: The study set was not selected for affection status in relation to any cancer. Pathogenicity categories were based on literature curation. See Pubmed ID:23861362 for details.

Medical sequencing

GeneDx
Classification: Benign. Last evaluated: 2013-02-15. Review status: criteria provided, single submitter. Criteria: GeneDx Variant Classification (06012015). Collection method: clinical testing. Allele origin: germline. Affected: yes.
Comment: This variant is considered likely benign or benign based on one or more of the following criteria: it is a conservative change, it occurs at a poorly conserved position in the protein, it is predicted to be benign by multiple in silico algorithms, and/or has population frequency not consistent with disease.

Molecular Diagnostic Laboratory for Inherited Cardiovascular Disease, Montreal Heart Institute
Classification: Likely benign. Review status: criteria provided, single submitter. Criteria: ACMG Guidelines, 2015. Collection method: clinical testing. Allele origin: germline. Affected: yes.

Clinical Genetics, Academic Medical Center
Classification: Benign. Review status: no assertion criteria provided. Collection method: clinical testing. Allele origin: germline. Affected: yes. Study: VKGL Data-share Consensus. Not counted in ClinVar's aggregate classification.

Joint Genome Diagnostic Labs from Nijmegen and Maastricht, Radboudumc and MUMC+
Classification: Benign. Review status: no assertion criteria provided. Collection method: clinical testing. Allele origin: germline. Affected: yes. Study: VKGL Data-share Consensus. Not counted in ClinVar's aggregate classification.

NM_005751.5(AKAP9):c.80C>T (p.Ser27Leu)

Gene: AKAP9 (A-kinase anchoring protein 9; plus strand). Cytogenetic location: 7q21.2.
Variant type: single nucleotide variant.
Coding change: c.80C>T on transcript NM_005751.5 (MANE Select); coding-DNA position 80, C replaced by T.
Protein change: p.Ser27Leu; replaces serine 27 with leucine.
Molecular consequence: missense variant.
Genome position (GRCh38, 1-based): chr7:91,973,742, C>T. VCF-style: chr7-91973742-C-T. GRCh37 (hg19) VCF-style: chr7-91603056-C-T.
Other names: p.S27L:TCG>TTG; c.80C>T, p.Ser27Leu (NM_147185.3); short protein forms S27L.
Identifiers: ClinVar variation 136346 (VCV000136346.66), dbSNP rs142401936, ClinGen allele CA236852.
Genomic context (GRCh38, chr7:91,973,742, plus strand): 5'-ACAATAACGGTTATTTTCTTTTTTCTTAGCTTGCCCAGTTTCGACAAAGAAAAGCTCAGT[C>T]GGATGGGCAGAGTCCTTCCAAGAAGCAGAAAAAAAAGAGAAAAACGTCAAGCAGTAAACA-3'
Protein context (NP_005742.4, residues 17-37): LAQFRQRKAQ[Ser27Leu]DGQSPSKKQK